The following is an entry in ClinVar:

ClinVar aggregate classification (germline): Uncertain significance. Review status: criteria provided, multiple submitters, no conflicts (2 of 4 stars). 2 submissions from 2 submitters: Uncertain significance (2). Last evaluated 2025-09-03.

Submissions (2):

Labcorp Genetics (formerly Invitae), Labcorp
Classification: Uncertain significance. Last evaluated: 2025-09-03. Review status: criteria provided, single submitter. Criteria: Invitae Variant Classification Sherloc (09022015). Collection method: clinical testing. Allele origin: germline.
Comment: This sequence change replaces threonine, which is neutral and polar, with methionine, which is neutral and non-polar, at codon 184 of the ACOX2 protein (p.Thr184Met). This variant is present in population databases (rs369403671, gnomAD 0.006%). This variant has not been reported in the literature in individuals affected with ACOX2-related conditions. ClinVar contains an entry for this variant (Variation ID: 2460351). Invitae Evidence Modeling of protein sequence and biophysical properties (such as structural, functional, and spatial information, amino acid conservation, physicochemical variation, residue mobility, and thermodynamic stability) indicates that this missense variant is expected to disrupt ACOX2 protein function with a positive predictive value of 80%. In summary, the available evidence is currently insufficient to determine the role of this variant in disease. Therefore, it has been classified as a Variant of Uncertain Significance.

Ambry Genetics
Classification: Uncertain significance. Last evaluated: 2023-02-09. Review status: criteria provided, single submitter. Criteria: Ambry Variant Classification Scheme 2023. Collection method: clinical testing. Allele origin: germline.

NM_003500.4(ACOX2):c.551C>T (p.Thr184Met)

Gene: ACOX2 (acyl-CoA oxidase 2; minus strand). Cytogenetic location: 3p14.3.
Variant type: single nucleotide variant.
Coding change: c.551C>T on transcript NM_003500.4 (MANE Select); coding-DNA position 551, C replaced by T.
Protein change: p.Thr184Met; replaces threonine 184 with methionine.
Molecular consequence: missense variant.
Genome position (GRCh38, 1-based): chr3:58,533,477, G>A on the plus strand (C>T on the coding strand, the complement: ACOX2 is on the minus strand). VCF-style: chr3-58533477-G-A. GRCh37 (hg19) VCF-style: chr3-58519204-G-A.
Other names: short protein forms T184M.
Identifiers: ClinVar variation 2460351 (VCV002460351.4), dbSNP rs369403671, ClinGen allele CA2472368.